The following is an entry in ClinVar:

ClinVar aggregate classification (germline): Uncertain significance (1 of 4 stars; one submission).

gnomAD v4.1: 1 of 1,474,786 alleles (0.000068%); highest among the groups gnomAD compares: Non-Finnish European, 0.000089%; no homozygotes.

Submission:

Labcorp Genetics (formerly Invitae), Labcorp
Classification: Uncertain significance. Last evaluated: 2024-05-14. Review status: criteria provided, single submitter. Criteria: Invitae Variant Classification Sherloc (09022015). Collection method: clinical testing. Allele origin: germline.
Comment: This sequence change replaces threonine, which is neutral and polar, with isoleucine, which is neutral and non-polar, at codon 183 of the LEMD3 protein (p.Thr183Ile). This variant is not present in population databases (gnomAD no frequency). This variant has not been reported in the literature in individuals affected with LEMD3-related conditions. Advanced modeling of protein sequence and biophysical properties (such as structural, functional, and spatial information, amino acid conservation, physicochemical variation, residue mobility, and thermodynamic stability) performed at Invitae indicates that this missense variant is not expected to disrupt LEMD3 protein function with a negative predictive value of 80%. In summary, the available evidence is currently insufficient to determine the role of this variant in disease. Therefore, it has been classified as a Variant of Uncertain Significance.

NM_014319.5(LEMD3):c.548C>T (p.Thr183Ile)

Gene: LEMD3 (LEM domain containing 3; plus strand). Cytogenetic location: 12q14.3.
Variant type: single nucleotide variant.
Coding change: c.548C>T on transcript NM_014319.5 (MANE Select); coding-DNA position 548, C replaced by T.
Protein change: p.Thr183Ile; replaces threonine 183 with isoleucine.
Molecular consequence: missense variant.
Genome position (GRCh38, 1-based): chr12:65,170,144, C>T. VCF-style: chr12-65170144-C-T. GRCh37 (hg19) VCF-style: chr12-65563924-C-T.
Other names: c.548C>T, p.Thr183Ile (NM_001167614.2); short protein forms T183I.
Identifiers: ClinVar variation 3621885 (VCV003621885.2).
Genomic context (GRCh38, chr12:65,170,144, plus strand): 5'-CTTCGCTCCAGTACCGCGGGCTCAAAGCGCCGCCGGCGCCCCTGGCCGCCAGCGAGGTGA[C>T]TAACAGCAACTCTGCAGAGCGAAGGAAGCCCCACTCGTGGTGGGGGGCCAGGAGGCCGGC-3'
Protein context (NP_055134.2, residues 173-193): PPAPLAASEV[Thr183Ile]NSNSAERRKP